The following is an entry in ClinVar:

ClinVar aggregate classification (germline): Pathogenic (1 of 4 stars; one submission).

Conditions:
Familial juvenile hyperuricemic nephropathy type 2 (ADTKD4). Also called: EARLY-ONSET HYPERURICEMIA, ANEMIA, AND PROGRESSIVE KIDNEY FAILURE; Autosomal Dominant Tubulointerstitial Kidney Disease – REN. Identifiers: Orphanet 217330, MedGen C2751310, MONDO:0013128, OMIM 613092.

Submission:

Victorian Clinical Genetics Services, Murdoch Childrens Research Institute
Classification: Pathogenic for Familial juvenile hyperuricemic nephropathy type 2. Last evaluated: 2025-10-16. Review status: criteria provided, single submitter. Criteria: ACMG Guidelines, 2015. Collection method: clinical testing. Allele origin: germline. Affected: yes.
Comment: This variant is classified as Pathogenic. Evidence in support of pathogenic classification: Variant is absent from gnomAD (v2, v3 and v4); This variant has strong previous evidence of pathogenicity in unrelated individuals. This variant has been reported in the literature in at least 6 individuals with tubulointerstitial kidney disease (PMIDs: 28701203, 32750457, 33532864, 38520530); This variant has moderate functional evidence supporting abnormal protein function. This variant has been shown to disrupt extracellular secretion of renin, leading to retention of the mutant protein in the cytoplasm (PMIDs: 38520530, 37283036). - Variant is located in a hotspot region or cluster of PATHOGENIC variants within the signal peptide region (PMID: 32750457). Additional information: Variant is predicted to result in a missense amino acid change from Trp to Arg; This variant is heterozygous; This gene is associated with both recessive and dominant disease. Biallelic loss of function variants that cause a complete loss of renin synthesis are associated with renal tubular dysgenesis, a severe condition associated with perinatal mortality (PMID: 16116425). Dominant variants reported to date are predominantly missense changes that lead to renal tubulointerstitial damage and progressive chronic kidney disease. The age of onset and severity of disease have been found to correlate with protein location (PMID: 37283036); No comparable missense variants have previous evidence for pathogenicity; Missense variant with inconclusive in silico prediction and uninformative conservation; Loss of function is a known mechanism of disease in this gene and is associated with autosomal recessive renal tubular dysgenesis (MIM#267430). This gene is also associated with autosomal dominant tubulointerstitial kidney disease 4 (MIM#613092). The mechanism of disease for the dominant condition has not been clearly established, although toxic gain of function has been suggested (PMID: 37283036).

Literature cited by the submitters: PubMed 37283036; PubMed 33532864; PubMed 32750457; PubMed 38520530; PubMed 28701203; PubMed 16116425.

NM_000537.4(REN):c.49T>C (p.Trp17Arg)

Genes: REN (renin; minus strand), LOC107548112 (REN promoter and enhancer region; plus strand). Cytogenetic location: 1q32.1.
Variant type: single nucleotide variant.
Coding change: c.49T>C on transcript NM_000537.4 (MANE Select); coding-DNA position 49, T replaced by C.
Protein change: p.Trp17Arg; replaces tryptophan 17 with arginine.
Molecular consequence: missense variant.
Genome position (GRCh38, 1-based): chr1:204,166,245, A>G on the plus strand (T>C on the coding strand, the complement: REN is on the minus strand). VCF-style: chr1-204166245-A-G. GRCh37 (hg19) VCF-style: chr1-204135373-A-G.
Other names: short protein forms W17R.
Identifiers: ClinVar variation 4531376 (VCV004531376.1).